The following is an entry in ClinVar:

ClinVar aggregate classification (germline): Uncertain significance. Review status: criteria provided, multiple submitters, no conflicts (2 of 4 stars). 2 submissions from 2 submitters: Uncertain significance (2). Last evaluated 2025-12-16.

Allele frequency attached by ClinVar (database versions not stated): gnomAD 0.00001; TOPMed 0.00001.
gnomAD v4.1: 3 of 1,614,026 alleles (0.00019%); highest among the groups gnomAD compares: African/African-American, 0.0027%; no homozygotes.

Submissions (2):

Ambry Genetics
Classification: Uncertain significance. Last evaluated: 2025-12-16. Review status: criteria provided, single submitter. Criteria: Ambry Variant Classification Scheme 2023. Collection method: clinical testing. Allele origin: germline.

Labcorp Genetics (formerly Invitae), Labcorp
Classification: Uncertain significance. Last evaluated: 2022-05-18. Review status: criteria provided, single submitter. Criteria: Invitae Variant Classification Sherloc (09022015). Collection method: clinical testing. Allele origin: germline.
Comment: This sequence change replaces isoleucine, which is neutral and non-polar, with valine, which is neutral and non-polar, at codon 311 of the ATP4A protein (p.Ile311Val). In summary, the available evidence is currently insufficient to determine the role of this variant in disease. Therefore, it has been classified as a Variant of Uncertain Significance. Algorithms developed to predict the effect of missense changes on protein structure and function are either unavailable or do not agree on the potential impact of this missense change (SIFT: "Deleterious"; PolyPhen-2: "Benign"; Align-GVGD: "Class C0"). This variant has not been reported in the literature in individuals affected with ATP4A-related conditions. This variant is present in population databases (no rsID available, gnomAD 0.01%).

NM_000704.3(ATP4A):c.931A>G (p.Ile311Val)

Gene: ATP4A (ATPase H+/K+ transporting subunit alpha; minus strand). Cytogenetic location: 19q13.12.
Variant type: single nucleotide variant.
Coding change: c.931A>G on transcript NM_000704.3 (MANE Select); coding-DNA position 931, A replaced by G.
Protein change: p.Ile311Val; replaces isoleucine 311 with valine.
Molecular consequence: missense variant.
Genome position (GRCh38, 1-based): chr19:35,559,930, T>C on the plus strand (A>G on the coding strand, the complement: ATP4A is on the minus strand). VCF-style: chr19-35559930-T-C. GRCh37 (hg19) VCF-style: chr19-36050832-T-C.
Other names: c.931A>G (NM_000704.2); short protein forms I311V.
Identifiers: ClinVar variation 1928990 (VCV001928990.8), dbSNP rs1317479978, ClinGen allele CA405387657.